The following is an entry in ClinVar:

NM_004933.3(CDH15):c.1742G>A (p.Arg581His)

Genes: CDH15 (cadherin 15; plus strand), LOC130059794 (ATAC-STARR-seq lymphoblastoid silent region 7894; plus strand). Cytogenetic location: 16q24.3.
Variant type: single nucleotide variant.
Coding change: c.1742G>A on transcript NM_004933.3 (MANE Select); coding-DNA position 1742, G replaced by A.
Protein change: p.Arg581His; replaces arginine 581 with histidine.
Molecular consequence: missense variant.
Genome position (GRCh38, 1-based): chr16:89,192,331, G>A. VCF-style: chr16-89192331-G-A. GRCh37 (hg19) VCF-style: chr16-89258739-G-A.
Other names: short protein forms R581H.
Identifiers: ClinVar variation 1034131 (VCV001034131.1), dbSNP rs760002983, ClinGen allele CA8239390.

ClinVar aggregate classification (germline): Uncertain significance (1 of 4 stars; one submission).

Conditions:
Intellectual developmental disorder, autosomal dominant 3. Also called: Intellectual disability, autosomal dominant 3. Identifiers: MedGen C2675488, MONDO:0012946, OMIM 612580.

Allele frequency attached by ClinVar (database versions not stated): gnomAD exomes 0.00001.

Submission:

Baylor Genetics
Classification: Uncertain significance for Intellectual developmental disorder, autosomal dominant 3. Last evaluated: 2018-01-30. Review status: criteria provided, single submitter. Criteria: ACMG Guidelines, 2015. Collection method: clinical testing. Allele origin: maternal. Affected: yes.
Comment: This variant was determined to be of uncertain significance according to ACMG Guidelines, 2015 [PMID:25741868].